The following is an entry in ClinVar:

ClinVar aggregate classification (germline): Uncertain significance (1 of 4 stars; one submission).

Conditions:
Early-infantile DEE. Also called: Ohtahara syndrome; Early infantile epileptic encephalopathy with suppression bursts; Early infantile epileptic encephalopathy. Identifiers: Orphanet 1934, MedGen C0393706, MONDO:0800491.

Allele frequency attached by ClinVar (database versions not stated): 1000 Genomes Project 30x 0.00016; gnomAD 0.00001; gnomAD exomes below 0.00001; ExAC 0.00001; 1000 Genomes Project 0.00020.
gnomAD v4.1: 4 of 1,613,864 alleles (0.00025%); highest among the groups gnomAD compares: Non-Finnish European, 0.00034%; no homozygotes.

Submission:

Labcorp Genetics (formerly Invitae), Labcorp
Classification: Uncertain significance for Early-infantile DEE. Last evaluated: 2023-08-27. Review status: criteria provided, single submitter. Criteria: Invitae Variant Classification Sherloc (09022015). Collection method: clinical testing. Allele origin: germline.
Comment: In summary, the available evidence is currently insufficient to determine the role of this variant in disease. Therefore, it has been classified as a Variant of Uncertain Significance. This variant has not been reported in the literature in individuals affected with SCN8A-related conditions. Advanced modeling of protein sequence and biophysical properties (such as structural, functional, and spatial information, amino acid conservation, physicochemical variation, residue mobility, and thermodynamic stability) performed at Invitae indicates that this missense variant is expected to disrupt SCN8A protein function. This sequence change replaces glutamic acid, which is acidic and polar, with lysine, which is basic and polar, at codon 1884 of the SCN8A protein (p.Glu1884Lys). This variant is present in population databases (rs147578087, gnomAD 0.0009%).

NM_001330260.2(SCN8A):c.5650G>A (p.Glu1884Lys)

Gene: SCN8A (sodium voltage-gated channel alpha subunit 8; plus strand). Cytogenetic location: 12q13.13.
Variant type: single nucleotide variant.
Coding change: c.5650G>A on transcript NM_001330260.2 (MANE Select); coding-DNA position 5650, G replaced by A.
Protein change: p.Glu1884Lys; replaces glutamic acid 1884 with lysine.
Molecular consequence: missense variant.
Genome position (GRCh38, 1-based): chr12:51,807,136, G>A. VCF-style: chr12-51807136-G-A. GRCh37 (hg19) VCF-style: chr12-52200920-G-A.
Other names: c.5527G>A, p.Glu1843Lys (NM_001177984.3, NM_001369788.1); c.5650G>A, p.Glu1884Lys (NM_014191.4); short protein forms E1843K, E1884K.
Identifiers: ClinVar variation 2892014 (VCV002892014.3), dbSNP rs147578087, ClinGen allele CA6571936.